The following is an entry in ClinVar:

NM_001130082.3(PLXNB1):c.2979G>A (p.Pro993=)

Gene: PLXNB1 (plexin B1; minus strand). Cytogenetic location: 3p21.31.
Variant type: single nucleotide variant.
Coding change: c.2979G>A on transcript NM_001130082.3 (MANE Select); coding-DNA position 2979, G replaced by A.
Protein change: p.Pro993=; no amino-acid change (proline 993 retained).
Molecular consequence: synonymous variant.
Genome position (GRCh38, 1-based): chr3:48,418,519, C>T on the plus strand (G>A on the coding strand, the complement: PLXNB1 is on the minus strand). VCF-style: chr3-48418519-C-T. GRCh37 (hg19) VCF-style: chr3-48459928-C-T.
Other names: c.2979G>A, p.Pro993= (NM_002673.6).
Identifiers: ClinVar variation 3043418 (VCV003043418.2), dbSNP rs541951331, ClinGen allele CA2374649.

ClinVar aggregate classification (germline): Likely benign (0 of 4 stars; one submission).

Conditions:
PLXNB1-related disorder. Also called: PLXNB1-related condition.

Allele frequency attached by ClinVar (database versions not stated): TOPMed 0.00002; gnomAD 0.00009; gnomAD exomes 0.00014; 1000 Genomes Project 30x 0.00031; ExAC 0.00047.
gnomAD v4.1: 206 of 1,606,730 alleles (0.013%); highest among the groups gnomAD compares: South Asian, 0.16%; 3 homozygotes.

Submission:

PreventionGenetics, part of Exact Sciences
Classification: Likely benign for PLXNB1-related condition. Last evaluated: 2019-07-03. Review status: no assertion criteria provided. Collection method: clinical testing. Allele origin: germline.
Comment: This variant is classified as likely benign based on ACMG/AMP sequence variant interpretation guidelines (Richards et al. 2015 PMID: 25741868, with internal and published modifications).